The following continues an entry in ClinVar:

NM_002335.4(LRP5):c.4574C>T (p.Ala1525Val)

Gene: LRP5. ClinVar aggregate classification (germline): Benign. Benign (9).

Submissions 29 to 65 of 77:

Dr. Peter K. Rogan Lab, Western University
No classification provided (evidence only). Condition: Thyroid cancer, nonmedullary, 1. Review status: no classification provided. Collection method: in vitro. Allele origin: not applicable. Functional consequence: retained intron. Not counted in ClinVar's aggregate classification.

Dr. Peter K. Rogan Lab, Western University
No classification provided (evidence only). Condition: Uterine corpus endometrial carcinoma. Review status: no classification provided. Collection method: in vitro. Allele origin: not applicable. Functional consequence: retained intron. Not counted in ClinVar's aggregate classification.

Dr. Peter K. Rogan Lab, Western University
No classification provided (evidence only). Condition: Uterine corpus endometrial carcinoma. Review status: no classification provided. Collection method: in vitro. Allele origin: not applicable. Functional consequence: retained intron. Not counted in ClinVar's aggregate classification.

Dr. Peter K. Rogan Lab, Western University
No classification provided (evidence only). Condition: Uterine corpus endometrial carcinoma. Review status: no classification provided. Collection method: in vitro. Allele origin: not applicable. Functional consequence: retained intron. Not counted in ClinVar's aggregate classification.

Dr. Peter K. Rogan Lab, Western University
No classification provided (evidence only). Condition: Uterine corpus endometrial carcinoma. Review status: no classification provided. Collection method: in vitro. Allele origin: not applicable. Functional consequence: retained intron. Not counted in ClinVar's aggregate classification.

Dr. Peter K. Rogan Lab, Western University
No classification provided (evidence only). Condition: Cervical cancer. Review status: no classification provided. Collection method: in vitro. Allele origin: not applicable. Functional consequence: retained intron. Not counted in ClinVar's aggregate classification.

Dr. Peter K. Rogan Lab, Western University
No classification provided (evidence only). Condition: Cervical cancer. Review status: no classification provided. Collection method: in vitro. Allele origin: not applicable. Functional consequence: retained intron. Not counted in ClinVar's aggregate classification.

Dr. Peter K. Rogan Lab, Western University
No classification provided (evidence only). Condition: Cervical cancer. Review status: no classification provided. Collection method: in vitro. Allele origin: not applicable. Functional consequence: retained intron. Not counted in ClinVar's aggregate classification.

Dr. Peter K. Rogan Lab, Western University
No classification provided (evidence only). Condition: Cervical cancer. Review status: no classification provided. Collection method: in vitro. Allele origin: not applicable. Functional consequence: retained intron. Not counted in ClinVar's aggregate classification.

Dr. Peter K. Rogan Lab, Western University
No classification provided (evidence only). Condition: Cervical cancer. Review status: no classification provided. Collection method: in vitro. Allele origin: not applicable. Functional consequence: retained intron. Not counted in ClinVar's aggregate classification.

Dr. Peter K. Rogan Lab, Western University
No classification provided (evidence only). Condition: Cervical cancer. Review status: no classification provided. Collection method: in vitro. Allele origin: not applicable. Functional consequence: retained intron. Not counted in ClinVar's aggregate classification.

Dr. Peter K. Rogan Lab, Western University
No classification provided (evidence only). Condition: Cervical cancer. Review status: no classification provided. Collection method: in vitro. Allele origin: not applicable. Functional consequence: retained intron. Not counted in ClinVar's aggregate classification.

Dr. Peter K. Rogan Lab, Western University
No classification provided (evidence only). Condition: Cervical cancer. Review status: no classification provided. Collection method: in vitro. Allele origin: not applicable. Functional consequence: retained intron. Not counted in ClinVar's aggregate classification.

Dr. Peter K. Rogan Lab, Western University
No classification provided (evidence only). Condition: Cervical cancer. Review status: no classification provided. Collection method: in vitro. Allele origin: not applicable. Functional consequence: retained intron. Not counted in ClinVar's aggregate classification.

Dr. Peter K. Rogan Lab, Western University
No classification provided (evidence only). Condition: Sarcoma. Review status: no classification provided. Collection method: in vitro. Allele origin: not applicable. Functional consequence: retained intron. Not counted in ClinVar's aggregate classification.

Dr. Peter K. Rogan Lab, Western University
No classification provided (evidence only). Condition: Sarcoma. Review status: no classification provided. Collection method: in vitro. Allele origin: not applicable. Functional consequence: retained intron. Not counted in ClinVar's aggregate classification.

Dr. Peter K. Rogan Lab, Western University
No classification provided (evidence only). Condition: Sarcoma. Review status: no classification provided. Collection method: in vitro. Allele origin: not applicable. Functional consequence: retained intron. Not counted in ClinVar's aggregate classification.

Dr. Peter K. Rogan Lab, Western University
No classification provided (evidence only). Condition: Sarcoma. Review status: no classification provided. Collection method: in vitro. Allele origin: not applicable. Functional consequence: retained intron. Not counted in ClinVar's aggregate classification.

Dr. Peter K. Rogan Lab, Western University
No classification provided (evidence only). Condition: Sarcoma. Review status: no classification provided. Collection method: in vitro. Allele origin: not applicable. Functional consequence: retained intron. Not counted in ClinVar's aggregate classification.

Dr. Peter K. Rogan Lab, Western University
No classification provided (evidence only). Condition: Sarcoma. Review status: no classification provided. Collection method: in vitro. Allele origin: not applicable. Functional consequence: retained intron. Not counted in ClinVar's aggregate classification.

Dr. Peter K. Rogan Lab, Western University
No classification provided (evidence only). Condition: Hepatocellular carcinoma. Review status: no classification provided. Collection method: in vitro. Allele origin: not applicable. Functional consequence: retained intron. Not counted in ClinVar's aggregate classification.

Dr. Peter K. Rogan Lab, Western University
No classification provided (evidence only). Condition: Hepatocellular carcinoma. Review status: no classification provided. Collection method: in vitro. Allele origin: not applicable. Functional consequence: retained intron. Not counted in ClinVar's aggregate classification.

Dr. Peter K. Rogan Lab, Western University
No classification provided (evidence only). Condition: Hepatocellular carcinoma. Review status: no classification provided. Collection method: in vitro. Allele origin: not applicable. Functional consequence: retained intron. Not counted in ClinVar's aggregate classification.

Dr. Peter K. Rogan Lab, Western University
No classification provided (evidence only). Condition: Hepatocellular carcinoma. Review status: no classification provided. Collection method: in vitro. Allele origin: not applicable. Functional consequence: retained intron. Not counted in ClinVar's aggregate classification.

Dr. Peter K. Rogan Lab, Western University
No classification provided (evidence only). Condition: Nonpapillary renal cell carcinoma. Review status: no classification provided. Collection method: in vitro. Allele origin: not applicable. Functional consequence: retained intron. Not counted in ClinVar's aggregate classification.

Dr. Peter K. Rogan Lab, Western University
No classification provided (evidence only). Condition: Nonpapillary renal cell carcinoma. Review status: no classification provided. Collection method: in vitro. Allele origin: not applicable. Functional consequence: retained intron. Not counted in ClinVar's aggregate classification.

Dr. Peter K. Rogan Lab, Western University
No classification provided (evidence only). Condition: Thymoma. Review status: no classification provided. Collection method: in vitro. Allele origin: not applicable. Functional consequence: retained intron. Not counted in ClinVar's aggregate classification.

Dr. Peter K. Rogan Lab, Western University
No classification provided (evidence only). Condition: Thymoma. Review status: no classification provided. Collection method: in vitro. Allele origin: not applicable. Functional consequence: retained intron. Not counted in ClinVar's aggregate classification.

Dr. Peter K. Rogan Lab, Western University
No classification provided (evidence only). Condition: Thymoma. Review status: no classification provided. Collection method: in vitro. Allele origin: not applicable. Functional consequence: retained intron. Not counted in ClinVar's aggregate classification.

Dr. Peter K. Rogan Lab, Western University
No classification provided (evidence only). Condition: Thymoma. Review status: no classification provided. Collection method: in vitro. Allele origin: not applicable. Functional consequence: retained intron. Not counted in ClinVar's aggregate classification.

Dr. Peter K. Rogan Lab, Western University
No classification provided (evidence only). Condition: Thymoma. Review status: no classification provided. Collection method: in vitro. Allele origin: not applicable. Functional consequence: retained intron. Not counted in ClinVar's aggregate classification.

Dr. Peter K. Rogan Lab, Western University
No classification provided (evidence only). Condition: Thymoma. Review status: no classification provided. Collection method: in vitro. Allele origin: not applicable. Functional consequence: retained intron. Not counted in ClinVar's aggregate classification.

Dr. Peter K. Rogan Lab, Western University
No classification provided (evidence only). Condition: Ovarian serous cystadenocarcinoma. Review status: no classification provided. Collection method: in vitro. Allele origin: not applicable. Functional consequence: retained intron. Not counted in ClinVar's aggregate classification.

Dr. Peter K. Rogan Lab, Western University
No classification provided (evidence only). Condition: Ovarian serous cystadenocarcinoma. Review status: no classification provided. Collection method: in vitro. Allele origin: not applicable. Functional consequence: retained intron. Not counted in ClinVar's aggregate classification.

Dr. Peter K. Rogan Lab, Western University
No classification provided (evidence only). Condition: Ovarian serous cystadenocarcinoma. Review status: no classification provided. Collection method: in vitro. Allele origin: not applicable. Functional consequence: retained intron. Not counted in ClinVar's aggregate classification.

Dr. Peter K. Rogan Lab, Western University
No classification provided (evidence only). Condition: Ovarian serous cystadenocarcinoma. Review status: no classification provided. Collection method: in vitro. Allele origin: not applicable. Functional consequence: retained intron. Not counted in ClinVar's aggregate classification.

Dr. Peter K. Rogan Lab, Western University
No classification provided (evidence only). Condition: Ovarian serous cystadenocarcinoma. Review status: no classification provided. Collection method: in vitro. Allele origin: not applicable. Functional consequence: retained intron. Not counted in ClinVar's aggregate classification.